The following is an entry in ClinVar:

NM_000344.4(SMN1):c.862A>T (p.Arg288Trp)

Gene: SMN1 (survival of motor neuron 1, telomeric). Cytogenetic location: 5q13.2.
Variant type: single nucleotide variant.
Coding change: c.862A>T on transcript NM_000344.4 (MANE Select); coding-DNA position 862, A replaced by T.
Protein change: p.Arg288Trp; replaces arginine 288 with tryptophan.
Molecular consequence: missense variant. On other transcripts: intron variant (1).
Genome position (GRCh38, 1-based): chr5:70,951,968, A>T. VCF-style: chr5-70951968-A-T. GRCh37 (hg19) VCF-style: chr5-70247795-A-T.
Other names: c.766A>T, p.Arg256Trp (NM_022874.2); c.835-471A>T (NM_001297715.1); short protein forms R256W, R288W.
Identifiers: ClinVar variation 2988035 (VCV002988035.4), dbSNP rs1472645065, ClinGen allele CA360098337.
Genomic context (GRCh38, chr5:70,951,968, plus strand): 5'-TATTTTTTTTAACTTCCTTTATTTTCCTTACAGGGTTTCAGACAAAATCAAAAAGAAGGA[A>T]GGTGCTCACATTCCTTAAATTAAGGAGTAAGTCTGCCAGCATTATGAAAGTGAATCTTAC-3'
Protein context (NP_000335.1, residues 278-294): MGFRQNQKEG[Arg288Trp]CSHSLN

ClinVar aggregate classification (germline): Uncertain significance. Review status: criteria provided, multiple submitters, no conflicts (2 of 4 stars). 2 submissions from 2 submitters: Uncertain significance (2). Last evaluated 2025-03-15.

Conditions:
Inborn genetic diseases. Identifiers: MedGen C0950123, MeSH D030342.
Spinal muscular atrophy (SMA). Identifiers: MedGen C0026847, MeSH D009134, MONDO:0001516, HP:0007269.

Submissions (2):

Ambry Genetics
Classification: Uncertain significance for Inborn genetic diseases. Last evaluated: 2025-03-15. Review status: criteria provided, single submitter. Criteria: Ambry Variant Classification Scheme 2023. Collection method: clinical testing. Allele origin: germline.

Labcorp Genetics (formerly Invitae), Labcorp
Classification: Uncertain significance for Spinal muscular atrophy. Last evaluated: 2021-04-16. Review status: criteria provided, single submitter. Criteria: Invitae Variant Classification Sherloc (09022015). Collection method: clinical testing. Allele origin: germline.
Comment: In summary, the available evidence is currently insufficient to determine the role of this variant in disease. Therefore, it has been classified as a Variant of Uncertain Significance. Algorithms developed to predict the effect of missense changes on protein structure and function are either unavailable or do not agree on the potential impact of this missense change (SIFT: "Deleterious"; PolyPhen-2: "Possibly Damaging"; Align-GVGD: "Class C0"). This variant has not been reported in the literature in individuals with SMN1-related conditions. The frequency data for this variant in the population databases (ExAC) is considered unreliable due to the presence of homologous sequence, such as pseudogenes or paralogs, in the genome. This sequence change replaces arginine with tryptophan at codon 288 of the SMN1 protein (p.Arg288Trp). The arginine residue is weakly conserved and there is a moderate physicochemical difference between arginine and tryptophan.